The following is an entry in ClinVar:

ClinVar aggregate classification (germline): Uncertain significance (1 of 4 stars; one submission).

Conditions:
Autoimmune lymphoproliferative syndrome type 1. Also called: AUTOIMMUNE LYMPHOPROLIFERATIVE SYNDROME, TYPE I, AUTOSOMAL DOMINANT. Identifiers: Orphanet 3261, MedGen C2717884, MONDO:0011158, OMIM 601859.

Allele frequency attached by ClinVar (database versions not stated): gnomAD exomes below 0.00001 and 0.00002; ExAC 0.00002.
gnomAD v4.1: 6 of 1,614,014 alleles (0.00037%); highest among the groups gnomAD compares: East Asian, 0.013%; no homozygotes.

Submission:

Labcorp Genetics (formerly Invitae), Labcorp
Classification: Uncertain significance for Autoimmune lymphoproliferative syndrome. Last evaluated: 2022-07-25. Review status: criteria provided, single submitter. Criteria: Invitae Variant Classification Sherloc (09022015). Collection method: clinical testing. Allele origin: germline.
Comment: This variant is present in population databases (rs749714005, gnomAD 0.02%). This sequence change replaces glutamic acid, which is acidic and polar, with glycine, which is neutral and non-polar, at codon 116 of the FAS protein (p.Glu116Gly). This missense change has been observed in individual(s) with autoimmune lymphoproliferative syndrome (PMID: 21183795). ClinVar contains an entry for this variant (Variation ID: 960967). Algorithms developed to predict the effect of missense changes on protein structure and function are either unavailable or do not agree on the potential impact of this missense change (SIFT: "Not Available"; PolyPhen-2: "Probably Damaging"; Align-GVGD: "Not Available"). In summary, the available evidence is currently insufficient to determine the role of this variant in disease. Therefore, it has been classified as a Variant of Uncertain Significance.

Literature cited by the submitters: PubMed 21183795.

NM_000043.6(FAS):c.347A>G (p.Glu116Gly)

Gene: FAS (Fas cell surface death receptor; plus strand). Cytogenetic location: 10q23.31.
Variant type: single nucleotide variant.
Coding change: c.347A>G on transcript NM_000043.6 (MANE Select); coding-DNA position 347, A replaced by G.
Protein change: p.Glu116Gly; replaces glutamic acid 116 with glycine.
Molecular consequence: missense variant. On other transcripts: non-coding transcript variant (1).
Genome position (GRCh38, 1-based): chr10:89,008,901, A>G. VCF-style: chr10-89008901-A-G. GRCh37 (hg19) VCF-style: chr10-90768658-A-G.
Other names: c.347A>G, p.Glu116Gly (NM_001320619.2, NM_152871.4, NM_152872.4); short protein forms E116G.
Identifiers: ClinVar variation 960967 (VCV000960967.9), dbSNP rs749714005, ClinGen allele CA5593098.